The following is an entry in ClinVar:

NM_001725.3(BPI):c.51G>C (p.Leu17=)

Gene: BPI (bactericidal permeability increasing protein; plus strand). Cytogenetic location: 20q11.23.
Variant type: single nucleotide variant.
Coding change: c.51G>C on transcript NM_001725.3 (MANE Select); coding-DNA position 51, G replaced by C.
Protein change: p.Leu17=; no amino-acid change (leucine 17 retained).
Molecular consequence: synonymous variant.
Genome position (GRCh38, 1-based): chr20:38,304,274, G>C. VCF-style: chr20-38304274-G-C. GRCh37 (hg19) VCF-style: chr20-36932676-G-C.
Identifiers: ClinVar variation 402431 (VCV000402431.5), dbSNP rs1341024, ClinGen allele CA9851984.

ClinVar aggregate classification (germline): Benign. Review status: criteria provided, multiple submitters, no conflicts (2 of 4 stars). 2 submissions from 2 submitters: Benign (2). Last evaluated 2016-03-28.

Allele frequency attached by ClinVar (database versions not stated): gnomAD 0.41981; 1000 Genomes Project 30x 0.42614; ESP Exome Variant Server 0.43003; 1000 Genomes Project 0.43470; TOPMed 0.44212; ExAC 0.50762.
gnomAD v4.1: 844,744 of 1,613,722 alleles (52%); highest among the groups gnomAD compares: East Asian, 61%; 226,407 homozygotes.

Submissions (2):

Laboratory for Molecular Medicine, Mass General Brigham Personalized Medicine
Classification: Benign. Last evaluated: 2016-03-28. Review status: criteria provided, single submitter. Criteria: LMM Criteria. Collection method: clinical testing. Allele origin: germline.
Comment: Variant identified in a genome or exome case(s) and assessed due to predicted null impact of the variant or pathogenic assertions in the literature or databases. Disclaimer: This variant has not undergone full assessment. The following are preliminary notes: Frequency

Breakthrough Genomics
Classification: Benign. Review status: criteria provided, single submitter. Criteria: ACMG Guidelines, 2015. Collection method: not provided. Allele origin: germline. Inheritance: Unknown mechanism. Affected: yes.